The following is an entry in ClinVar:

ClinVar aggregate classification (germline): Uncertain significance (1 of 4 stars; one submission).

Submission:

Labcorp Genetics (formerly Invitae), Labcorp
Classification: Uncertain significance. Last evaluated: 2025-10-13. Review status: criteria provided, single submitter. Criteria: Invitae Variant Classification Sherloc (09022015). Collection method: clinical testing. Allele origin: germline.
Comment: This sequence change falls in intron 3 of the COQ8A gene. It does not directly change the encoded amino acid sequence of the COQ8A protein. It affects a nucleotide within the consensus splice site. This variant is not present in population databases (gnomAD no frequency). This variant has not been reported in the literature in individuals affected with COQ8A-related conditions. ClinVar contains an entry for this variant (Variation ID: 3680840). Variants that disrupt the consensus splice site are a relatively common cause of aberrant splicing (PMID: 17576681, 9536098). Algorithms developed to predict the effect of sequence changes on RNA splicing suggest that this variant is not likely to affect RNA splicing. In summary, the available evidence is currently insufficient to determine the role of this variant in disease. Therefore, it has been classified as a Variant of Uncertain Significance.

Literature cited by the submitters: PubMed 17576681; PubMed 9536098.

NM_020247.5(COQ8A):c.588+4C>A

Gene: COQ8A (coenzyme Q8A; plus strand). Cytogenetic location: 1q42.13.
Variant type: single nucleotide variant.
Coding change: c.588+4C>A on transcript NM_020247.5 (MANE Select); 4 bases into the intron after coding-DNA position 588, C replaced by A.
Molecular consequence: intron variant.
Genome position (GRCh38, 1-based): chr1:226,965,414, C>A. VCF-style: chr1-226965414-C-A. GRCh37 (hg19) VCF-style: chr1-227153115-C-A.
Identifiers: ClinVar variation 3680840 (VCV003680840.2).